The following is an entry in ClinVar:

NM_005188.4(CBL):c.1492_1496delinsTCACT (p.Pro498_Arg499delinsSerLeu)

Gene: CBL (Cbl proto-oncogene; plus strand). Cytogenetic location: 11q23.3.
Variant type: Indel.
Coding change: c.1492_1496delinsTCACT on transcript NM_005188.4 (MANE Select); coding-DNA positions 1492 to 1496, CCACG replaced by TCACT.
Protein change: p.Pro498_Arg499delinsSerLeu.
Molecular consequence: missense variant.
Genome position (GRCh38, 1-based): chr11:119,285,029-119,285,033, CCACG replaced by TCACT. VCF-style: chr11-119285029-CCACG-TCACT. GRCh37 (hg19) VCF-style: chr11-119155739-CCACG-TCACT.
Identifiers: ClinVar variation 1311578 (VCV001311578.2), dbSNP rs2135310035, ClinGen allele CA2573053446.
Genomic context (GRCh38, chr11:119,285,029, plus strand): 5'-GTGGAACGGCCGCCTTCTCCATTCTCCATGGCCCCACAAGCTTCCCTTCCCCCGGTGCCA[CCACG>TCACT]ACTTGACCTTCTGCCGCAGCGAGTATGTGTTCCCTCAAGTGCTTCTGCTCTTGGAACTGC-3'

ClinVar aggregate classification (germline): Uncertain significance (1 of 4 stars; one submission).

Submission:

GeneDx
Classification: Uncertain significance. Last evaluated: 2019-12-19. Review status: criteria provided, single submitter. Criteria: GeneDx Variant Classification Process June 2021. Collection method: clinical testing. Allele origin: germline. Affected: yes.
Comment: Not observed in large population cohorts (Lek et al., 2016); In silico analysis, which includes protein predictors and evolutionary conservation, supports a deleterious effect; Has not been previously published as pathogenic or benign to our knowledge